The following is an entry in ClinVar:

ClinVar aggregate classification (germline): Uncertain significance. Review status: criteria provided, multiple submitters, no conflicts (2 of 4 stars). 2 submissions from 2 submitters: Uncertain significance (2). Last evaluated 2025-10-29.

Conditions:
Cardiovascular phenotype. Identifiers: MedGen CN230736.
RASopathy. Also called: Noonan spectrum disorder; rasopathies. Identifiers: Orphanet 536391, MedGen C5555857, MONDO:0021060.

Allele frequency attached by ClinVar (database versions not stated): gnomAD exomes below 0.00001.
gnomAD v4.1: 1 of 1,614,232 alleles (0.000062%); highest among the groups gnomAD compares: Non-Finnish European, 0.000085%; no homozygotes.

Submissions (2):

Labcorp Genetics (formerly Invitae), Labcorp
Classification: Uncertain significance for RASopathy. Last evaluated: 2025-10-29. Review status: criteria provided, single submitter. Criteria: Invitae Variant Classification Sherloc (09022015). Collection method: clinical testing. Allele origin: germline.
Comment: This sequence change replaces asparagine, which is neutral and polar, with serine, which is neutral and polar, at codon 13 of the RAF1 protein (p.Asn13Ser). This variant is not present in population databases (gnomAD no frequency). This variant has not been reported in the literature in individuals affected with RAF1-related conditions. ClinVar contains an entry for this variant (Variation ID: 2564930). Invitae Evidence Modeling incorporating data from in vitro experimental studies (internal data) indicates that this missense variant is not expected to disrupt RAF1 function with a negative predictive value of 80%. In summary, the available evidence is currently insufficient to determine the role of this variant in disease. Therefore, it has been classified as a Variant of Uncertain Significance.

Ambry Genetics
Classification: Uncertain significance for Cardiovascular phenotype. Last evaluated: 2023-06-13. Review status: criteria provided, single submitter. Criteria: Ambry Variant Classification Scheme 2023. Collection method: clinical testing. Allele origin: germline.
Comment: The p.N13S variant (also known as c.38A>G), located in coding exon 1 of the RAF1 gene, results from an A to G substitution at nucleotide position 38. The asparagine at codon 13 is replaced by serine, an amino acid with highly similar properties. This amino acid position is highly conserved in available vertebrate species. In addition, this alteration is predicted to be tolerated by in silico analysis. Since supporting evidence is limited at this time, the clinical significance of this alteration remains unclear.

NM_002880.4(RAF1):c.38A>G (p.Asn13Ser)

Gene: RAF1 (Raf-1 proto-oncogene, serine/threonine kinase; minus strand). Cytogenetic location: 3p25.2.
Variant type: single nucleotide variant.
Coding change: c.38A>G on transcript NM_002880.4 (MANE Select); coding-DNA position 38, A replaced by G.
Protein change: p.Asn13Ser; replaces asparagine 13 with serine.
Molecular consequence: missense variant. On other transcripts: 5 prime UTR variant (4), non-coding transcript variant (3).
Genome position (GRCh38, 1-based): chr3:12,618,684, T>C on the plus strand (A>G on the coding strand, the complement: RAF1 is on the minus strand). VCF-style: chr3-12618684-T-C. GRCh37 (hg19) VCF-style: chr3-12660183-T-C.
Other names: c.38A>G, p.Asn13Ser (NM_001354689.3, NM_001354690.3, NM_001354693.3); c.-93A>G (NM_001354691.3, NM_001354692.3, NM_001354694.3 and 1 more transcripts); short protein forms N13S.
Identifiers: ClinVar variation 2564930 (VCV002564930.3), dbSNP rs2470448464, ClinGen allele CA351485207.